The following is an entry in ClinVar:

ClinVar aggregate classification (germline): Conflicting classifications of pathogenicity. Review status: criteria provided, conflicting classifications (1 of 4 stars). 2 submissions from 2 submitters: Likely pathogenic (1); Uncertain significance (1). Last evaluated 2023-06-05.

Allele frequency attached by ClinVar (database versions not stated): gnomAD 0.00001; gnomAD exomes 0.00001.
gnomAD v4.1: 4 of 1,611,956 alleles (0.00025%); highest among the groups gnomAD compares: Non-Finnish European, 0.00034%; no homozygotes.

Submissions (2):

Women's Health and Genetics/Laboratory Corporation of America, LabCorp
Classification: Uncertain significance. Last evaluated: 2023-06-05. Review status: criteria provided, single submitter. Criteria: LabCorp Variant Classification Summary - May 2015. Collection method: clinical testing. Allele origin: germline.
Comment: Variant summary: MTFMT c.434T>G (p.Val145Gly) results in a non-conservative amino acid change located in the Formyl transferase, N-terminal (IPR002376) of the encoded protein sequence. Five of five in-silico tools predict a damaging effect of the variant on protein function. The variant was absent in 247380 control chromosomes. The available data on variant occurrences in the general population are insufficient to allow any conclusion about variant significance. c.434T>G has been reported in the literature in at least one compound heterozygous individual affected with combined oxidative phosphorylation deficiency 15 (example: Bai_2020). These data do not allow any conclusion about variant significance. To our knowledge, no experimental evidence demonstrating an impact on protein function has been reported. The following publication have been ascertained in the context of this evaluation (PMID: 32133637). One clinical diagnostic laboratory has submitted clinical-significance assessments for this variant to ClinVar after 2014 without evidence for independent evaluation. One laboratory classified the variant as likely pathogenic. Based on the evidence outlined above, the variant was classified as uncertain significance.

GeneDx
Classification: Likely pathogenic. Last evaluated: 2017-10-04. Review status: criteria provided, single submitter. Criteria: GeneDx Variant Classification (06012015). Collection method: clinical testing. Allele origin: germline. Affected: yes.
Comment: A novel V145G variant that is likely pathogenic was identified in the MTFMT gene. It has not been published as a pathogenic variant, nor has it been reported as a benign polymorphism to our knowledge. The V145G variant is a conservative amino acid substitution, which is not likely to impact secondary protein structure as these residues share similar properties. This substitution occurs at a position that is highly conserved across species. In silico analysis predicts this variant is probably damaging to the protein structure/function. A missense mutations in a nearby residue (P151L) has been reported in the Human Gene Mutation Database in association with Leigh syndrome (Stenson et al., 2009), supporting the functional importance of this region of the protein. Therefore, the V145G variant is a strong candidate for a pathogenic variant, however the possibility that it is a benign variant cannot be excluded.

Literature cited by the submitters: PubMed 32133637 (cited by Women's Health and Genetics/Laboratory Corporation of America, LabCorp).

NM_139242.4(MTFMT):c.434T>G (p.Val145Gly)

Gene: MTFMT (mitochondrial methionyl-tRNA formyltransferase; minus strand). Cytogenetic location: 15q22.31.
Variant type: single nucleotide variant.
Coding change: c.434T>G on transcript NM_139242.4 (MANE Select); coding-DNA position 434, T replaced by G.
Protein change: p.Val145Gly; replaces valine 145 with glycine.
Molecular consequence: missense variant.
Genome position (GRCh38, 1-based): chr15:65,023,780, A>C on the plus strand (T>G on the coding strand, the complement: MTFMT is on the minus strand). VCF-style: chr15-65023780-A-C. GRCh37 (hg19) VCF-style: chr15-65316118-A-C.
Other names: short protein forms V145G.
Identifiers: ClinVar variation 418336 (VCV000418336.3), dbSNP rs1064793194, ClinGen allele CA16619987.